The following is an entry in ClinVar:

ClinVar aggregate classification (germline): Uncertain significance (1 of 4 stars; one submission).

Allele frequency attached by ClinVar (database versions not stated): ExAC 0.00001.
gnomAD v4.1: 3 of 1,605,840 alleles (0.00019%); highest among the groups gnomAD compares: East Asian, 0.0022%; no homozygotes.

Submission:

Labcorp Genetics (formerly Invitae), Labcorp
Classification: Uncertain significance. Last evaluated: 2023-07-17. Review status: criteria provided, single submitter. Criteria: Invitae Variant Classification Sherloc (09022015). Collection method: clinical testing. Allele origin: germline.
Comment: In summary, the available evidence is currently insufficient to determine the role of this variant in disease. Therefore, it has been classified as a Variant of Uncertain Significance. Advanced modeling of protein sequence and biophysical properties (such as structural, functional, and spatial information, amino acid conservation, physicochemical variation, residue mobility, and thermodynamic stability) performed at Invitae indicates that this missense variant is not expected to disrupt ADGRV1 protein function. ClinVar contains an entry for this variant (Variation ID: 2038758). This variant has not been reported in the literature in individuals affected with ADGRV1-related conditions. This variant is present in population databases (rs745409401, gnomAD 0.003%). This sequence change replaces valine, which is neutral and non-polar, with isoleucine, which is neutral and non-polar, at codon 3291 of the ADGRV1 protein (p.Val3291Ile).

NM_032119.4(ADGRV1):c.9871G>A (p.Val3291Ile)

Gene: ADGRV1 (adhesion G protein-coupled receptor V1; plus strand). Cytogenetic location: 5q14.3.
Variant type: single nucleotide variant.
Coding change: c.9871G>A on transcript NM_032119.4 (MANE Select); coding-DNA position 9871, G replaced by A.
Protein change: p.Val3291Ile; replaces valine 3291 with isoleucine.
Molecular consequence: missense variant. On other transcripts: non-coding transcript variant (1).
Genome position (GRCh38, 1-based): chr5:90,724,954, G>A. VCF-style: chr5-90724954-G-A. GRCh37 (hg19) VCF-style: chr5-90020771-G-A.
Other names: short protein forms V3291I.
Identifiers: ClinVar variation 2038758 (VCV002038758.4), dbSNP rs745409401, ClinGen allele CA3340611.